The following is an entry in ClinVar:

ClinVar aggregate classification (germline): Uncertain significance. Review status: criteria provided, multiple submitters, no conflicts (2 of 4 stars). 2 submissions from 2 submitters: Uncertain significance (2). Last evaluated 2023-10-06.

Conditions:
Fanconi anemia complementation group O. Also called: RAD51C-Related Fanconi Anemia. Identifiers: Orphanet 84, MedGen C3150653, MONDO:0013248, OMIM 613390.
Hereditary cancer-predisposing syndrome. Also called: Neoplastic Syndromes, Hereditary; Tumor predisposition; Hereditary neoplastic syndrome; Hereditary Cancer Syndrome. Identifiers: Orphanet 140162, MedGen C0027672, MeSH D009386, MONDO:0015356.

Submissions (2):

Labcorp Genetics (formerly Invitae), Labcorp
Classification: Uncertain significance for Fanconi anemia complementation group O. Last evaluated: 2023-10-06. Review status: criteria provided, single submitter. Criteria: Invitae Variant Classification Sherloc (09022015). Collection method: clinical testing. Allele origin: germline.
Comment: This sequence change replaces glutamic acid, which is acidic and polar, with lysine, which is basic and polar, at codon 37 of the RAD51C protein (p.Glu37Lys). This variant is not present in population databases (gnomAD no frequency). This variant has not been reported in the literature in individuals affected with RAD51C-related conditions. ClinVar contains an entry for this variant (Variation ID: 1791783). Advanced modeling of protein sequence and biophysical properties (such as structural, functional, and spatial information, amino acid conservation, physicochemical variation, residue mobility, and thermodynamic stability) performed at Invitae indicates that this missense variant is not expected to disrupt RAD51C protein function. In summary, the available evidence is currently insufficient to determine the role of this variant in disease. Therefore, it has been classified as a Variant of Uncertain Significance.

Ambry Genetics
Classification: Uncertain significance for Hereditary cancer-predisposing syndrome. Last evaluated: 2022-07-05. Review status: criteria provided, single submitter. Criteria: Ambry Variant Classification Scheme 2023. Collection method: clinical testing. Allele origin: germline.
Comment: The p.E37K variant (also known as c.109G>A), located in coding exon 1 of the RAD51C gene, results from a G to A substitution at nucleotide position 109. The glutamic acid at codon 37 is replaced by lysine, an amino acid with similar properties. This amino acid position is conserved. In addition, this alteration is predicted to be tolerated by in silico analysis. Since supporting evidence is limited at this time, the clinical significance of this alteration remains unclear.

NM_058216.3(RAD51C):c.109G>A (p.Glu37Lys)

Gene: RAD51C (RAD51 paralog C; plus strand). Cytogenetic location: 17q22.
Variant type: single nucleotide variant.
Coding change: c.109G>A on transcript NM_058216.3 (MANE Select); coding-DNA position 109, G replaced by A.
Protein change: p.Glu37Lys; replaces glutamic acid 37 with lysine.
Molecular consequence: missense variant. On other transcripts: non-coding transcript variant (1).
Genome position (GRCh38, 1-based): chr17:58,692,752, G>A. VCF-style: chr17-58692752-G-A. GRCh37 (hg19) VCF-style: chr17-56770113-G-A.
Other names: c.109G>A, p.Glu37Lys (NM_002876.4, NM_058217.1); short protein forms E37K.
Identifiers: ClinVar variation 1791783 (VCV001791783.5), dbSNP rs1064794145, ClinGen allele CA400337458.